The following is an entry in ClinVar:

ClinVar aggregate classification (germline): Benign/Likely benign. Review status: criteria provided, multiple submitters, no conflicts (2 of 4 stars). 23 submissions from 23 submitters: Benign (7); Likely benign (12). 4 of the submissions do not count toward it. Last evaluated 2026-08-01.

Conditions:
Hereditary cancer-predisposing syndrome. Also called: Neoplastic Syndromes, Hereditary; Hereditary neoplastic syndrome; Hereditary Cancer Syndrome; Tumor predisposition. Identifiers: Orphanet 140162, MedGen C0027672, MeSH D009386, MONDO:0015356.
Tuberous sclerosis syndrome (TSC). Also called: Tuberous sclerosis; Tuberous Sclerosis Complex. Identifiers: Orphanet 805, MedGen C0041341, MONDO:0001734.
Tuberous sclerosis 2 (TSC2). Identifiers: Orphanet 805, MedGen C1860707, MONDO:0013199, OMIM 613254.

Allele frequency attached by ClinVar (database versions not stated): gnomAD exomes 0.00065 and 0.00091; 1000 Genomes Project 30x 0.00031; gnomAD 0.00068 and 0.00071; TOPMed 0.00053; ESP Exome Variant Server 0.00062; ExAC 0.00065; 1000 Genomes Project 0.00020.
gnomAD v4.1: 1,420 of 1,613,166 alleles (0.088%); highest among the groups gnomAD compares: Non-Finnish European, 0.11%; 1 homozygote.

Submissions (23):

CeGaT Center for Human Genetics Tuebingen
Classification: Likely benign. Last evaluated: 2026-08-01. Review status: criteria provided, single submitter. Criteria: CeGaT Center For Human Genetics Tuebingen Variant Classification Criteria Version 2. Collection method: clinical testing. Allele origin: germline. Affected: yes. Observed: 24 variant alleles.
Comment: TSC2: PM5, BS1

Women's Health and Genetics/Laboratory Corporation of America, LabCorp
Classification: Likely benign. Last evaluated: 2026-03-11. Review status: criteria provided, single submitter. Criteria: LabCorp Variant Classification Summary - May 2015. Collection method: clinical testing. Allele origin: germline.
Comment: Variant summary: TSC2 c.1819G>A (p.Ala607Thr) results in a non-conservative amino acid change in the encoded protein sequence. Algorithms developed to predict the effect of missense changes on protein structure and function all suggest that this variant is likely to be disruptive. The variant allele was found at a frequency of 0.00065 in 250400 control chromosomes. The observed variant frequency exceeds the estimated maximal expected allele frequency for disease-causing variants in TSC2. To our knowledge, no occurrence of c.1819G>A in individuals affected with TSC2-related conditions and no experimental evidence demonstrating its impact on protein function have been reported. ClinVar contains an entry for this variant (Variation ID: 41730). Based on the evidence outlined above, the variant was classified as likely benign.

Labcorp Genetics (formerly Invitae), Labcorp
Classification: Benign for Tuberous sclerosis 2. Last evaluated: 2026-02-03. Review status: criteria provided, single submitter. Criteria: Invitae Variant Classification Sherloc (09022015). Collection method: clinical testing. Allele origin: germline.

Mayo Clinic Laboratories, Mayo Clinic
Classification: Likely benign. Last evaluated: 2025-11-21. Review status: criteria provided, single submitter. Criteria: ACMG Guidelines, 2015. Collection method: clinical testing. Allele origin: germline. Observed: 2 variant alleles.
Comment: BS1

ARUP Laboratories, Molecular Genetics and Genomics, ARUP Laboratories
Classification: Likely benign. Last evaluated: 2025-06-19. Review status: criteria provided, single submitter. Criteria: ARUP Molecular Germline Variant Investigation Process 2024. Collection method: clinical testing. Allele origin: germline.

Myriad Genetics, Inc.
Classification: Likely benign for Tuberous sclerosis 2. Last evaluated: 2025-05-15. Review status: criteria provided, single submitter. Criteria: Myriad Autosomal Dominant, Autosomal Recessive and X-Linked Classification Criteria (2023). Collection method: clinical testing. Allele origin: unknown.
Comment: This variant is considered likely benign. This variant has been observed at a population frequency that is significantly greater than expected given the associated disease prevalence and penetrance.

Laboratory of Genetics, Children's Clinical University Hospital Latvia
Classification: Likely benign. Last evaluated: 2025-02-16. Review status: criteria provided, single submitter. Criteria: ACMG Guidelines, 2015. Collection method: clinical testing. Allele origin: germline. Affected: yes.

KCCC/NGS Laboratory, Kuwait Cancer Control Center
Classification: Benign for Tuberous sclerosis 2. Last evaluated: 2025-02-01. Review status: criteria provided, single submitter. Criteria: ACMG Guidelines, 2015. Collection method: clinical testing. Allele origin: germline. Affected: no.

Blueprint Genetics
Classification: Likely benign. Last evaluated: 2024-11-27. Review status: criteria provided, single submitter. Criteria: ACMG Guidelines, 2015. Collection method: clinical testing. Allele origin: germline.

Color Diagnostics, LLC DBA Color Health
Classification: Benign for Tuberous sclerosis syndrome. Last evaluated: 2022-09-21. Review status: criteria provided, single submitter. Criteria: ACMG Guidelines, 2015. Collection method: clinical testing. Allele origin: germline.

Genome-Nilou Lab
Classification: Benign for Tuberous sclerosis 2. Last evaluated: 2021-11-07. Review status: criteria provided, single submitter. Criteria: ACMG Guidelines, 2015. Collection method: clinical testing. Allele origin: germline. Affected: no.

Genetic Services Laboratory, University of Chicago
Classification: Benign. Last evaluated: 2021-04-30. Review status: criteria provided, single submitter. Criteria: ACMG Guidelines, 2015. Collection method: clinical testing. Allele origin: germline. Affected: no.

Sema4
Classification: Benign for Hereditary cancer-predisposing syndrome. Last evaluated: 2020-11-26. Review status: criteria provided, single submitter. Criteria: Sema4 Curation Guidelines. Collection method: curation. Allele origin: germline.

GeneDx
Classification: Benign. Last evaluated: 2019-07-08. Review status: criteria provided, single submitter. Criteria: GeneDx Variant Classification Process June 2021. Collection method: clinical testing. Allele origin: germline. Affected: yes.
Comment: This variant is associated with the following publications: (PMID: 29489754, 29167182, 16713332, 15798777, 16391386, 15483652, 22558107, 22703879, 21309039, 15024740)

Mendelics
Classification: Likely benign for Tuberous sclerosis 2. Last evaluated: 2019-05-28. Review status: criteria provided, single submitter. Criteria: Mendelics Assertion Criteria 2017. Collection method: clinical testing. Allele origin: unknown.

Ambry Genetics
Classification: Likely benign for Hereditary cancer-predisposing syndrome. Last evaluated: 2018-08-31. Review status: criteria provided, single submitter. Criteria: Ambry Variant Classification Scheme 2023. Collection method: clinical testing. Allele origin: germline.

Illumina Laboratory Services, Illumina
Classification: Likely benign for Tuberous sclerosis syndrome. Last evaluated: 2018-01-13. Review status: criteria provided, single submitter. Criteria: ICSL Variant Classification Criteria 13 December 2019. Collection method: clinical testing. Allele origin: germline.
Comment: This variant was observed in the ICSL laboratory as part of a predisposition screen in an ostensibly healthy population. It had not been previously curated by ICSL or reported in the Human Gene Mutation Database (HGMD: prior to June 1st, 2018), and was therefore a candidate for classification through an automated scoring system. Utilizing variant allele frequency, disease prevalence and penetrance estimates, and inheritance mode, an automated score was calculated to assess if this variant is too frequent to cause the disease. Based on the score and internal cut-off values, a variant classified as likely benign is not then subjected to further curation. The score for this variant resulted in a classification of likely benign for this disease.

Eurofins Ntd Llc (ga)
Classification: Likely benign. Last evaluated: 2014-11-22. Review status: criteria provided, single submitter. Criteria: EGL Classification Definitions 2015. Collection method: clinical testing. Allele origin: germline. Observed: 1 variant allele, 1 heterozygote.

Breakthrough Genomics
Classification: Likely benign. Review status: criteria provided, single submitter. Criteria: ACMG Guidelines, 2015. Collection method: not provided. Allele origin: germline. Inheritance: Autosomal dominant inheritance. Affected: yes.

Biesecker Lab/Clinical Genomics Section, National Institutes of Health
Classification: Likely benign. Last evaluated: 2012-07-13. Review status: no assertion criteria provided. Collection method: research. Allele origin: germline. Affected: no. Observed: 2 variant alleles. Study: ClinSeq. Not counted in ClinVar's aggregate classification.
ClinVar note: Converted during submission from probably not pathogenic to Likely benign.

Clinical Genetics, Academic Medical Center
Classification: Likely benign. Review status: no assertion criteria provided. Collection method: clinical testing. Allele origin: germline. Affected: yes. Study: VKGL Data-share Consensus. Not counted in ClinVar's aggregate classification.

Diagnostic Laboratory, Department of Genetics, University Medical Center Groningen
Classification: Likely benign. Review status: no assertion criteria provided. Collection method: clinical testing. Allele origin: germline. Affected: yes. Study: VKGL Data-share Consensus. Not counted in ClinVar's aggregate classification.

Tuberous sclerosis database (TSC2)
No classification provided. Condition: TSC. Review status: no classification provided. Criteria: Tuberous Sclerosis Database Assertion Criteria 2015. Collection method: curation. Allele origin: germline. Affected: yes. Not counted in ClinVar's aggregate classification.

Literature cited by the submitters: PubMed 29489754 (cited by Mayo Clinic Laboratories, Mayo Clinic); PubMed 37937776 (cited by Mayo Clinic Laboratories, Mayo Clinic); PubMed 15024740 (cited by Ambry Genetics); PubMed 15483652 (cited by Ambry Genetics); PubMed 15798777 (cited by Ambry Genetics); PubMed 21309039 (cited by Ambry Genetics).

NM_000548.5(TSC2):c.1819G>A (p.Ala607Thr)

Gene: TSC2 (TSC complex subunit 2; plus strand). Cytogenetic location: 16p13.3.
Variant type: single nucleotide variant.
Coding change: c.1819G>A on transcript NM_000548.5 (MANE Select); coding-DNA position 1819, G replaced by A.
Protein change: p.Ala607Thr; replaces alanine 607 with threonine.
Molecular consequence: missense variant.
Genome position (GRCh38, 1-based): chr16:2,070,558, G>A. VCF-style: chr16-2070558-G-A. GRCh37 (hg19) VCF-style: chr16-2120559-G-A.
Other names: p.A607T:GCG>ACG; c.1819G>A, p.Ala607Thr (NM_001077183.3, NM_001114382.3, NM_001363528.2 and 3 more transcripts); c.1708G>A, p.Ala570Thr (NM_001318827.2); c.1672G>A, p.Ala558Thr (NM_001318829.2); c.1219G>A, p.Ala407Thr (NM_001318831.2); c.1852G>A, p.Ala618Thr (NM_001318832.2); c.1819G>A (NM_000548.4); short protein forms A607T, A618T, A407T, A558T, A570T.
Identifiers: ClinVar variation 41730 (VCV000041730.71), dbSNP rs45517203, ClinGen allele CA015854.
Genomic context (GRCh38, chr16:2,070,558, plus strand): 5'-TATGAGATGCTGGTCAGCCACATTCAGCTCCACTACAAGCACAGCTACACCCTGCCAATC[G>A]CGAGCAGCATCCGGCTGCAGGTATGGTGGCTGGGGTTGCGCAGCCAGTTCCTGGGGGCCC-3'
Protein context (NP_000539.2, residues 597-617): HYKHSYTLPI[Ala607Thr]SSIRLQAFDF